The following is an entry in ClinVar:

NM_001004334.4(GPR179):c.6358G>A (p.Val2120Ile)

Gene: GPR179 (G protein-coupled receptor 179; minus strand). Cytogenetic location: 17q12.
Variant type: single nucleotide variant.
Coding change: c.6358G>A on transcript NM_001004334.4 (MANE Select); coding-DNA position 6358, G replaced by A.
Protein change: p.Val2120Ile; replaces valine 2120 with isoleucine.
Molecular consequence: missense variant.
Genome position (GRCh38, 1-based): chr17:38,327,211, C>T on the plus strand (G>A on the coding strand, the complement: GPR179 is on the minus strand). VCF-style: chr17-38327211-C-T. GRCh37 (hg19) VCF-style: chr17-36483094-C-T.
Other names: short protein forms V2120I.
Identifiers: ClinVar variation 2124782 (VCV002124782.4), dbSNP rs2037296241, ClinGen allele CA398869611.

ClinVar aggregate classification (germline): Uncertain significance (1 of 4 stars; one submission).

Submission:

Labcorp Genetics (formerly Invitae), Labcorp
Classification: Uncertain significance. Last evaluated: 2022-04-11. Review status: criteria provided, single submitter. Criteria: Invitae Variant Classification Sherloc (09022015). Collection method: clinical testing. Allele origin: germline.
Comment: Algorithms developed to predict the effect of missense changes on protein structure and function (SIFT, PolyPhen-2, Align-GVGD) all suggest that this variant is likely to be tolerated. This variant has not been reported in the literature in individuals affected with GPR179-related conditions. This variant is not present in population databases (gnomAD no frequency). This sequence change replaces valine, which is neutral and non-polar, with isoleucine, which is neutral and non-polar, at codon 2120 of the GPR179 protein (p.Val2120Ile). In summary, the available evidence is currently insufficient to determine the role of this variant in disease. Therefore, it has been classified as a Variant of Uncertain Significance.